The following is an entry in ClinVar:

ClinVar aggregate classification (germline): Uncertain significance (1 of 4 stars; one submission).

Submission:

Ambry Genetics
Classification: Uncertain significance. Last evaluated: 2022-09-28. Review status: criteria provided, single submitter. Criteria: Ambry Variant Classification Scheme 2023. Collection method: clinical testing. Allele origin: germline.
Comment: The p.H655Q variant (also known as c.1965C>A), located in coding exon 17 of the RAD54L gene, results from a C to A substitution at nucleotide position 1965. The histidine at codon 655 is replaced by glutamine, an amino acid with highly similar properties. This amino acid position is conserved. In addition, this alteration is predicted to be tolerated by in silico analysis. Since supporting evidence is limited at this time, the clinical significance of this alteration remains unclear.

NM_003579.4(RAD54L):c.1965C>A (p.His655Gln)

Genes: LRRC41 (leucine rich repeat containing 41; minus strand), RAD54L (RAD54 like; plus strand). Cytogenetic location: 1p34.1.
Variant type: single nucleotide variant.
Coding change: c.1965C>A on transcript NM_003579.4 (MANE Select); coding-DNA position 1965, C replaced by A.
Protein change: p.His655Gln; replaces histidine 655 with glutamine.
Molecular consequence: missense variant. On other transcripts: 3 prime UTR variant (1).
Genome position (GRCh38, 1-based): chr1:46,277,912, C>A. VCF-style: chr1-46277912-C-A. GRCh37 (hg19) VCF-style: chr1-46743584-C-A.
Other names: c.*953G>T (NM_006369.5); c.1965C>A, p.His655Gln (NM_001142548.2); c.1425C>A, p.His475Gln (NM_001370766.1); short protein forms H475Q, H655Q.
Identifiers: ClinVar variation 1783506 (VCV001783506.2), dbSNP rs1660663926, ClinGen allele CA340189905.
Genomic context (GRCh38, chr1:46,277,912, plus strand): 5'-GAGCCACAAGAAGGCACTGAGCAGCTGTGTGGTGGATGAGGAGCAGGATGTAGAGCGCCA[C>A]TTCTCTCTGGGCGAGTTGAAGGAGCTGTTTATCCTGGATGAAGCTAGCCTCAGTGACACA-3'
Protein context (NP_003570.2, residues 645-665): VVDEEQDVER[His655Gln]FSLGELKELF